The following is an entry in ClinVar:

NM_020631.6(PLEKHG5):c.1293C>T (p.Leu431=)

Gene: PLEKHG5 (pleckstrin homology and RhoGEF domain containing G5; minus strand). Cytogenetic location: 1p36.31.
Variant type: single nucleotide variant.
Coding change: c.1293C>T on transcript NM_020631.6 (MANE Select); coding-DNA position 1293, C replaced by T.
Protein change: p.Leu431=; no amino-acid change (leucine 431 retained).
Molecular consequence: synonymous variant.
Genome position (GRCh38, 1-based): chr1:6,471,089, G>A on the plus strand (C>T on the coding strand, the complement: PLEKHG5 is on the minus strand). VCF-style: chr1-6471089-G-A. GRCh37 (hg19) VCF-style: chr1-6531149-G-A.
Other names: c.1404C>T, p.Leu468= (NM_001042663.3, NM_001265592.2); c.1293C>T, p.Leu431= (NM_001042664.2, NM_001042665.2, NM_001265594.3 and 1 more transcripts); c.1500C>T, p.Leu500= (NM_001265593.2).
Identifiers: ClinVar variation 1122976 (VCV001122976.33), dbSNP rs758869678, ClinGen allele CA561562.

ClinVar aggregate classification (germline): Likely benign. Review status: criteria provided, multiple submitters, no conflicts (2 of 4 stars). 2 submissions from 2 submitters: Likely benign (2). Last evaluated 2024-02-07.

Conditions:
Neuronopathy, distal hereditary motor, autosomal recessive 4. Also called: Autosomal recessive lower motor neuron disease with childhood onset; NEUROPATHY, DISTAL HEREDITARY MOTOR, AUTOSOMAL RECESSIVE 4. Identifiers: Orphanet 206580, MedGen C1970211, MONDO:0012608, OMIM 611067.
Charcot-Marie-Tooth disease recessive intermediate C. Also called: CHARCOT-MARIE-TOOTH NEUROPATHY, RECESSIVE INTERMEDIATE C. Identifiers: Orphanet 369867, MedGen C3809309, MONDO:0014154, OMIM 615376.

Allele frequency attached by ClinVar (database versions not stated): gnomAD 0.00002; TOPMed 0.00002.
gnomAD v4.1: 34 of 1,584,548 alleles (0.0021%); highest among the groups gnomAD compares: Non-Finnish European, 0.0029%; no homozygotes.

Submissions (2):

Labcorp Genetics (formerly Invitae), Labcorp
Classification: Likely benign for Neuronopathy, distal hereditary motor, autosomal recessive 4; Charcot-Marie-Tooth disease recessive intermediate C. Last evaluated: 2024-02-07. Review status: criteria provided, single submitter. Criteria: Invitae Variant Classification Sherloc (09022015). Collection method: clinical testing. Allele origin: germline.

CeGaT Center for Human Genetics Tuebingen
Classification: Likely benign. Last evaluated: 2023-10-01. Review status: criteria provided, single submitter. Criteria: CeGaT Center For Human Genetics Tuebingen Variant Classification Criteria Version 2. Collection method: clinical testing. Allele origin: germline. Affected: yes. Observed: 1 variant allele.
Comment: PLEKHG5: BP4, BP7